The following is an entry in ClinVar:

NM_014141.6(CNTNAP2):c.1498+232T>C

Gene: CNTNAP2 (contactin associated protein 2; plus strand). Cytogenetic location: 7q35.
Variant type: single nucleotide variant.
Coding change: c.1498+232T>C on transcript NM_014141.6 (MANE Select); 232 bases into the intron after coding-DNA position 1498, T replaced by C.
Molecular consequence: intron variant.
Genome position (GRCh38, 1-based): chr7:147,300,522, T>C. VCF-style: chr7-147300522-T-C. GRCh37 (hg19) VCF-style: chr7-146997614-T-C.
Identifiers: ClinVar variation 677311 (VCV000677311.1), dbSNP rs7804175, ClinGen allele CA168711522.

ClinVar aggregate classification (germline): Benign (1 of 4 stars; one submission).

Allele frequency attached by ClinVar (database versions not stated): 1000 Genomes Project 0.02895; gnomAD 0.02901 and 0.03119; 1000 Genomes Project 30x 0.03014; TOPMed 0.03320.
gnomAD v4.1: 4,369 of 152,284 alleles (2.9%); highest among the groups gnomAD compares: African/African-American, 10%; 218 homozygotes.

Submission:

GeneDx
Classification: Benign. Last evaluated: 2018-06-16. Review status: criteria provided, single submitter. Criteria: GeneDx Variant Classification (06012015). Collection method: clinical testing. Allele origin: germline. Affected: yes.
Comment: This variant is considered likely benign or benign based on one or more of the following criteria: it is a conservative change, it occurs at a poorly conserved position in the protein, it is predicted to be benign by multiple in silico algorithms, and/or has population frequency not consistent with disease.